The following is an entry in ClinVar:

NM_000038.6(APC):c.2162del (p.Gly721fs)

Gene: APC (APC regulator of WNT signaling pathway; plus strand). Cytogenetic location: 5q22.2.
Variant type: Deletion.
Coding change: c.2162del on transcript NM_000038.6 (MANE Select); coding-DNA position 2162, one base deleted (G; older notation c.2162delG).
Protein change: p.Gly721fs; shifts the reading frame from glycine 721.
Molecular consequence: frameshift variant.
Genome position (GRCh38, 1-based): chr5:112,837,756, G deleted; the last of 3 consecutive G bases (chr5:112,837,754-112,837,756); deleting any one gives the same sequence. VCF-style (leftmost placement, unchanged base first): chr5-112837753-TG-T. GRCh37 (hg19) VCF-style: chr5-112173450-TG-T.
Other names: c.2162del, p.Gly721fs (NM_001127510.3, NM_001354895.2); c.2108del, p.Gly703fs (NM_001127511.3); c.2216del, p.Gly739fs (NM_001354896.2); c.2192del, p.Gly731fs (NM_001354897.2); c.2087del, p.Gly696fs (NM_001354898.2); c.2078del, p.Gly693fs (NM_001354899.2); c.2039del, p.Gly680fs (NM_001354900.2); c.1985del, p.Gly662fs (NM_001354901.2); and 5 more; short protein forms G438fs, G561fs, G595fs, G620fs, G630fs, G662fs, G680fs, G693fs.
Identifiers: ClinVar variation 1330760 (VCV001330760.7), dbSNP rs2149862015, ClinGen allele CA645562830.
Genomic context (GRCh38, chr5:112,837,753, plus strand): 5'-ACATGGGGGCAGTTAGCATGCTCAAGAACCTCATTCATTCAAAGCACAAAATGATTGCTA[TG>T]GGAAGTGCTGCAGCTTTAAGGAATCTCATGGCAAATAGGCCTGCGAAGTACAAGGATGCC-3'

ClinVar aggregate classification (germline): Pathogenic (1 of 4 stars; one submission).

Submission:

ARUP Laboratories, Molecular Genetics and Genomics, ARUP Laboratories
Classification: Pathogenic. Last evaluated: 2020-11-28. Review status: criteria provided, single submitter. Criteria: ARUP Molecular Germline Variant Investigation Process 2021. Collection method: clinical testing. Allele origin: germline.
Comment: The APC c.2162delG; p.Gly721GlufsTer6 variant is reported in the literature in a family with FAP-related colorectal cancer (Schirosi 2013). This variant is absent from general population databases (Exome Variant Server, Genome Aggregation Database), indicating it is not a common polymorphism. This variant causes a frameshift by deleting a single nucleotide, so it is predicted to result in a truncated protein. Based on available information, this variant is considered to be pathogenic. REFERENCES Schirosi L et al. A new germline stop codon mutation in exon 15 of the APC gene predisposing to familial adenomatous polyposis. Int J Biol Markers. 2013 Dec 17;28(4):e405-8.